The following is an entry in ClinVar:

NM_014625.4(NPHS2):c.59C>T (p.Pro20Leu)

Gene: NPHS2 (NPHS2 stomatin family member, podocin; minus strand). Cytogenetic location: 1q25.2.
Variant type: single nucleotide variant.
Coding change: c.59C>T on transcript NM_014625.4 (MANE Select); coding-DNA position 59, C replaced by T.
Protein change: p.Pro20Leu; replaces proline 20 with leucine.
Molecular consequence: missense variant.
Genome position (GRCh38, 1-based): chr1:179,575,806, G>A on the plus strand (C>T on the coding strand, the complement: NPHS2 is on the minus strand). VCF-style: chr1-179575806-G-A. GRCh37 (hg19) VCF-style: chr1-179544941-G-A.
Other names: c.59C>T, p.Pro20Leu (NM_001297575.2); short protein forms P20L.
Identifiers: ClinVar variation 5365 (VCV000005365.54), dbSNP rs74315344, ClinGen allele CA117451.

ClinVar aggregate classification (germline): Conflicting classifications of pathogenicity. Review status: criteria provided, conflicting classifications (1 of 4 stars). 17 submissions from 17 submitters: Uncertain significance (2); Benign (6); Likely benign (5). 4 of the submissions do not count toward it. Last evaluated 2026-01-31.

Conditions:
NPHS2-related disorder. Also called: NPHS2-related condition.
Finnish congenital nephrotic syndrome (NPHS1). Also called: NEPHROTIC SYNDROME, TYPE 1. Identifiers: Orphanet 839, MedGen C0403399, MONDO:0009732, OMIM 256300.
Nephrotic syndrome, type 2 (NPHS2). Also called: NEPHROTIC SYNDROME, STEROID-RESISTANT, AUTOSOMAL RECESSIVE. Identifiers: Orphanet 656, MedGen C1868672, MONDO:0010974, OMIM 600995.
Focal segmental glomerulosclerosis (FSGS). Also called: Glomerulosclerosis, focal; Focal sclerosis with hyalinosis. Identifiers: MedGen C0017668, MONDO:0100313, HP:0000097. Disease mechanism: loss of function.
Steroid-resistant nephrotic syndrome. Identifiers: MedGen C0403397, MONDO:0044765, HP:0012588.

Allele frequency attached by ClinVar (database versions not stated): gnomAD exomes 0.00153 and 0.00279; 1000 Genomes Project 30x 0.00312; 1000 Genomes Project 0.00319; gnomAD 0.00398 and 0.00425; TOPMed 0.00437; ExAC 0.01305.
gnomAD v4.1: 2,707 of 1,477,634 alleles (0.18%); highest among the groups gnomAD compares: Middle Eastern, 1%; 8 homozygotes.

Submissions (17):

Labcorp Genetics (formerly Invitae), Labcorp
Classification: Benign. Last evaluated: 2026-01-31. Review status: criteria provided, single submitter. Criteria: Invitae Variant Classification Sherloc (09022015). Collection method: clinical testing. Allele origin: germline.

Blueprint Genetics
Classification: Likely benign. Last evaluated: 2024-11-15. Review status: criteria provided, single submitter. Criteria: ACMG Guidelines, 2015. Collection method: clinical testing. Allele origin: germline.

Laboratory for Molecular Medicine, Mass General Brigham Personalized Medicine
Classification: Likely benign. Last evaluated: 2024-04-15. Review status: criteria provided, single submitter. Criteria: ACMG Guidelines, 2015. Collection method: clinical testing. Allele origin: germline.
Comment: The p.Pro20Leu variant in NPHS2 is classified as likely benign because it has been identified in 1.0% (57/5542) of Middle Eastern and 0.98% (674/68276) of African/African American chromosomes, including 8 homozygotes by gnomAD (v.4.0.0), which is higher than the expected frequency of a pathogenic allele in NPHS2 causing disease. ACMG/AMP Criteria applied: BS1.

CeGaT Center for Human Genetics Tuebingen
Classification: Likely benign. Last evaluated: 2024-02-01. Review status: criteria provided, single submitter. Criteria: CeGaT Center For Human Genetics Tuebingen Variant Classification Criteria Version 2. Collection method: clinical testing. Allele origin: germline. Affected: yes. Observed: 3 variant alleles.
Comment: NPHS2: BS2

Genome Diagnostics Laboratory, The Hospital for Sick Children
Classification: Likely benign for Focal segmental glomerulosclerosis. Last evaluated: 2022-05-19. Review status: criteria provided, single submitter. Criteria: ACMG Guidelines, 2015. Collection method: clinical testing. Allele origin: germline.

Genome-Nilou Lab
Classification: Benign for Nephrotic syndrome, type 2. Last evaluated: 2021-05-18. Review status: criteria provided, single submitter. Criteria: ACMG Guidelines, 2015. Collection method: clinical testing. Allele origin: germline. Affected: no.

GeneDx
Classification: Benign. Last evaluated: 2020-07-28. Review status: criteria provided, single submitter. Criteria: GeneDx Variant Classification Process June 2021. Collection method: clinical testing. Allele origin: germline. Affected: yes.
Comment: This variant is associated with the following publications: (PMID: 30450462, 23349334, 20947785, 22995991, 10742096, 27884173, 15042551, 26211502, 27885584, 30721404, 28712774)

Dubai Health Genomic Medicine Center, Dubai Health
Classification: Benign for Nephrotic syndrome, type 2. Last evaluated: 2020-03-26. Review status: criteria provided, single submitter. Criteria: ACMG Guidelines, 2015. Collection method: clinical testing. Allele origin: germline. Affected: yes.

Institute of Human Genetics, University of Leipzig Medical Center
Classification: Uncertain significance for Nephrotic syndrome, type 2. Last evaluated: 2019-01-01. Review status: criteria provided, single submitter. Criteria: ACMG Guidelines, 2015. Collection method: clinical testing. Allele origin: unknown. Affected: yes.

Vasylyeva lab, Texas Tech University Health Sciences Center
Classification: Uncertain significance for Finnish congenital nephrotic syndrome. Last evaluated: 2019-01-01. Review status: criteria provided, single submitter. Criteria: ACMG Guidelines, 2015. Collection method: clinical testing. Allele origin: unknown. Affected: yes.

Athena Diagnostics
Classification: Benign. Last evaluated: 2018-01-25. Review status: criteria provided, single submitter. Criteria: Athena Diagnostics Criteria. Collection method: clinical testing. Allele origin: germline.

Illumina Laboratory Services, Illumina
Classification: Benign for Nephrotic syndrome, type 2. Last evaluated: 2017-04-27. Review status: criteria provided, single submitter. Criteria: ICSL Variant Classification Criteria 13 December 2019. Collection method: clinical testing. Allele origin: germline.
Comment: This variant was observed as part of a predisposition screen in an ostensibly healthy population. A literature search was performed for the gene, cDNA change, and amino acid change (where applicable). Publications were found based on this search. The evidence from the literature, in combination with allele frequency data from public databases where available, was sufficient to rule this variant out of causing disease. Therefore, this variant is classified as benign.

Women's Health and Genetics/Laboratory Corporation of America, LabCorp
Classification: Likely benign. Last evaluated: 2016-03-04. Review status: criteria provided, single submitter. Criteria: LabCorp Variant Classification Summary - May 2015. Collection method: clinical testing. Allele origin: germline.
Comment: Variant summary: The c.59C>T variant affects a non-conserved nucleotide, resulting in amino acid change from Pro to Leu. 2/3 in-silico tools predict this variant to be damaging (SNPs&GO, MutationTaster not captured due to low reliability index). This variant is found in 92/7048 control chromosomes (1 homozygote) at a frequency of 0.0130533, which is about 7 times of maximal expected frequency of a pathogenic allele (0.0017678), suggesting this variant is benign. Although this variant was classified as pathogenic by OMIM via ClinVar, multiple recent literatures suggested this variant was a polymorphism based on the evidence of co-occurrences with a pathogenic variant and homozygous occurrences in controls. Taken together, this variant was classified as likely benign.

Genetic Services Laboratory, University of Chicago
Classification: Likely benign. Last evaluated: 2022-05-10. Review status: no assertion criteria provided. Collection method: clinical testing. Allele origin: germline. Affected: no. Not counted in ClinVar's aggregate classification.

Natera, Inc.
Classification: Likely benign for Steroid-resistant nephrotic syndrome. Last evaluated: 2020-06-11. Review status: no assertion criteria provided. Collection method: clinical testing. Allele origin: germline. Not counted in ClinVar's aggregate classification.

PreventionGenetics, part of Exact Sciences
Classification: Likely benign for NPHS2-related condition. Last evaluated: 2019-04-24. Review status: no assertion criteria provided. Collection method: clinical testing. Allele origin: germline. Not counted in ClinVar's aggregate classification.
Comment: This variant is classified as likely benign based on ACMG/AMP sequence variant interpretation guidelines (Richards et al. 2015 PMID: 25741868, with internal and published modifications).

OMIM
Classification: Pathogenic for NEPHROTIC SYNDROME, TYPE 2. Last evaluated: 2003-05-01. Review status: no assertion criteria provided. Collection method: literature only. Allele origin: germline. Not counted in ClinVar's aggregate classification.

Literature cited by the submitters: PubMed 28780565 (cited by Vasylyeva lab, Texas Tech University Health Sciences Center); PubMed 32581362 (cited by Vasylyeva lab, Texas Tech University Health Sciences Center); PubMed 15769810 (cited by Athena Diagnostics); PubMed 28712774 (cited by Athena Diagnostics); PubMed 27885584 (cited by Athena Diagnostics); PubMed 22578956 (cited by 3 submitters); PubMed 20947785 (cited by Athena Diagnostics); PubMed 19812541 (cited by Athena Diagnostics); PubMed 15954915 (cited by Athena Diagnostics); PubMed 18683072 (cited by Athena Diagnostics); PubMed 12776285 (cited by Athena Diagnostics); PubMed 23595123 (cited by Athena Diagnostics); PubMed 12707396 (cited by 3 submitters); PubMed 16286890 (cited by Athena Diagnostics); PubMed 23349334 (cited by Athena Diagnostics); PubMed 20333530 (cited by Athena Diagnostics); PubMed 10742096 (cited by 3 submitters); PubMed 14978175 (cited by Athena Diagnostics and Women's Health and Genetics/Laboratory Corporation of America, LabCorp); PubMed 15042551 (cited by Athena Diagnostics); PubMed 15253708 (cited by Athena Diagnostics); PubMed 15496146 (cited by Athena Diagnostics); PubMed 16810518 (cited by Athena Diagnostics); PubMed 16900088 (cited by Athena Diagnostics); PubMed 17899208 (cited by Athena Diagnostics and Women's Health and Genetics/Laboratory Corporation of America, LabCorp); PubMed 17942957 (cited by Athena Diagnostics); PubMed 19406966 (cited by Athena Diagnostics and Illumina Laboratory Services, Illumina); PubMed 26211502 (cited by Women's Health and Genetics/Laboratory Corporation of America, LabCorp); PubMed 24227627 (cited by Women's Health and Genetics/Laboratory Corporation of America, LabCorp).